The following is an entry in ClinVar:

NM_001130969.3(NSMF):c.263G>A (p.Ser88Asn)

Gene: NSMF (NMDA receptor synaptonuclear signaling and neuronal migration factor; minus strand). Cytogenetic location: 9q34.3.
Variant type: single nucleotide variant.
Coding change: c.263G>A on transcript NM_001130969.3 (MANE Select); coding-DNA position 263, G replaced by A.
Protein change: p.Ser88Asn; replaces serine 88 with asparagine.
Molecular consequence: missense variant.
Genome position (GRCh38, 1-based): chr9:137,457,772, C>T on the plus strand (G>A on the coding strand, the complement: NSMF is on the minus strand). VCF-style: chr9-137457772-C-T. GRCh37 (hg19) VCF-style: chr9-140352224-C-T.
Other names: c.263G>A, p.Ser88Asn (NM_001130970.2, NM_001130971.2, NM_001178064.2 and 2 more transcripts); short protein forms S88N.
Identifiers: ClinVar variation 2075725 (VCV002075725.4), dbSNP rs1171305753, ClinGen allele CA375770097.

ClinVar aggregate classification (germline): Uncertain significance (1 of 4 stars; one submission).

Submission:

Labcorp Genetics (formerly Invitae), Labcorp
Classification: Uncertain significance. Last evaluated: 2022-07-12. Review status: criteria provided, single submitter. Criteria: Invitae Variant Classification Sherloc (09022015). Collection method: clinical testing. Allele origin: germline.
Comment: In summary, the available evidence is currently insufficient to determine the role of this variant in disease. Therefore, it has been classified as a Variant of Uncertain Significance. Algorithms developed to predict the effect of missense changes on protein structure and function are either unavailable or do not agree on the potential impact of this missense change (SIFT: "Not Available"; PolyPhen-2: "Benign"; Align-GVGD: "Not Available"). This variant has not been reported in the literature in individuals affected with NSMF-related conditions. This variant is not present in population databases (gnomAD no frequency). This sequence change replaces serine, which is neutral and polar, with asparagine, which is neutral and polar, at codon 88 of the NSMF protein (p.Ser88Asn).